The following is an entry in ClinVar:

NM_003458.4(BSN):c.7653T>G (p.Ser2551Arg)

Gene: BSN (bassoon presynaptic cytomatrix protein; plus strand). Cytogenetic location: 3p21.31.
Variant type: single nucleotide variant.
Coding change: c.7653T>G on transcript NM_003458.4 (MANE Select); coding-DNA position 7653, T replaced by G.
Protein change: p.Ser2551Arg; replaces serine 2551 with arginine.
Molecular consequence: missense variant.
Genome position (GRCh38, 1-based): chr3:49,657,209, T>G. VCF-style: chr3-49657209-T-G. GRCh37 (hg19) VCF-style: chr3-49694642-T-G.
Other names: short protein forms S2551R.
Identifiers: ClinVar variation 5009110 (VCV005009110.2).

ClinVar aggregate classification (germline): Uncertain significance (1 of 4 stars; one submission).

Submission:

GeneDx
Classification: Uncertain significance. Last evaluated: 2026-10-16. Review status: criteria provided, single submitter. Criteria: GeneDx Variant Classification Process June 2021. Collection method: clinical testing. Allele origin: germline.
Comment: Not observed at significant frequency in large population cohorts (gnomAD); In silico analysis suggests that this missense variant does not alter protein structure/function; Has not been previously published as pathogenic or benign to our knowledge